The following is an entry in ClinVar:

ClinVar aggregate classification (germline): Uncertain significance. Review status: criteria provided, multiple submitters, no conflicts (2 of 4 stars). 2 submissions from 2 submitters: Uncertain significance (2). Last evaluated 2025-06-11.

Conditions:
Catecholaminergic polymorphic ventricular tachycardia 1. Also called: VENTRICULAR TACHYCARDIA, CATECHOLAMINERGIC POLYMORPHIC, 1, WITH OR WITHOUT ATRIAL DYSFUNCTION AND/OR DILATED CARDIOMYOPATHY; RYR2-Related Catecholaminergic Polymorphic Ventricular Tachycardia; VENTRICULAR TACHYCARDIA, STRESS-INDUCED POLYMORPHIC 1. Identifiers: Orphanet 3286, MedGen C1631597, MONDO:0011484, OMIM 604772.

Allele frequency attached by ClinVar (database versions not stated): gnomAD exomes 0.00001.
gnomAD v4.1: 3 of 1,613,608 alleles (0.00019%); highest among the groups gnomAD compares: Admixed American, 0.0033%; no homozygotes.

Submissions (2):

GeneDx
Classification: Uncertain significance. Last evaluated: 2025-06-11. Review status: criteria provided, single submitter. Criteria: GeneDx Variant Classification Process June 2021. Collection method: clinical testing. Allele origin: germline. Affected: yes.
Comment: Not observed at significant frequency in large population cohorts (gnomAD); In silico analysis supports that this missense variant has a deleterious effect on protein structure/function; Has not been previously published as pathogenic or benign to our knowledge; Located in one of the three hot-spot regions of the RYR2 gene, where the majority of pathogenic missense variants occur (PMID: 19926015); This variant is associated with the following publications: (PMID: 19926015)

Labcorp Genetics (formerly Invitae), Labcorp
Classification: Uncertain significance for Catecholaminergic polymorphic ventricular tachycardia 1. Last evaluated: 2022-03-28. Review status: criteria provided, single submitter. Criteria: Invitae Variant Classification Sherloc (09022015). Collection method: clinical testing. Allele origin: germline.
Comment: This variant has not been reported in the literature in individuals affected with RYR2-related conditions. This variant is present in population databases (no rsID available, gnomAD 0.006%). This sequence change replaces methionine, which is neutral and non-polar, with isoleucine, which is neutral and non-polar, at codon 4728 of the RYR2 protein (p.Met4728Ile). Advanced modeling of protein sequence and biophysical properties (such as structural, functional, and spatial information, amino acid conservation, physicochemical variation, residue mobility, and thermodynamic stability) performed at Invitae indicates that this missense variant is not expected to disrupt RYR2 protein function. In summary, the available evidence is currently insufficient to determine the role of this variant in disease. Therefore, it has been classified as a Variant of Uncertain Significance.

NM_001035.3(RYR2):c.14184G>A (p.Met4728Ile)

Gene: RYR2 (ryanodine receptor 2; plus strand). Cytogenetic location: 1q43.
Variant type: single nucleotide variant.
Coding change: c.14184G>A on transcript NM_001035.3 (MANE Select); coding-DNA position 14184, G replaced by A.
Protein change: p.Met4728Ile; replaces methionine 4728 with isoleucine.
Molecular consequence: missense variant.
Genome position (GRCh38, 1-based): chr1:237,806,169, G>A. VCF-style: chr1-237806169-G-A. GRCh37 (hg19) VCF-style: chr1-237969469-G-A.
Other names: c.14184G>A (NM_001035.2); short protein forms M4728I.
Identifiers: ClinVar variation 2160859 (VCV002160859.5), dbSNP rs1322718316, ClinGen allele CA345422744.